The following is an entry in ClinVar:

NM_001130021.3(ATP6V0A1):c.53A>T (p.Gln18Leu)

Gene: ATP6V0A1 (ATPase H+ transporting V0 subunit a1; plus strand). Cytogenetic location: 17q21.2.
Variant type: single nucleotide variant.
Coding change: c.53A>T on transcript NM_001130021.3 (MANE Select); coding-DNA position 53, A replaced by T.
Protein change: p.Gln18Leu; replaces glutamine 18 with leucine.
Molecular consequence: missense variant. On other transcripts: intron variant (2).
Genome position (GRCh38, 1-based): chr17:42,460,947, A>T. VCF-style: chr17-42460947-A-T. GRCh37 (hg19) VCF-style: chr17-40612965-A-T.
Other names: c.53A>T, p.Gln18Leu (NM_001130020.3, NM_001378522.1, NM_001378523.1 and 25 more transcripts); c.-64+1984A>T (NM_001378543.1, NM_001378549.1); short protein forms Q18L.
Identifiers: ClinVar variation 1325812 (VCV001325812.2), dbSNP rs2145591069, ClinGen allele CA399577391.
Genomic context (GRCh38, chr17:42,460,947, plus strand): 5'-CTGCCACCATGGGGGAGCTTTTCCGGAGTGAAGAAATGACACTGGCCCAGCTTTTTCTAC[A>T]GTCAGAGGCTGCTTATTGTTGTGTCAGTGAATTAGGAGAACTTGGAAAGGTTCAGTTTCG-3'
Protein context (NP_001123493.1, residues 8-28): EEMTLAQLFL[Gln18Leu]SEAAYCCVSE

ClinVar aggregate classification (germline): Conflicting classifications of pathogenicity. Review status: criteria provided, conflicting classifications (1 of 4 stars). 2 submissions from 1 submitter: Likely pathogenic (1); Uncertain significance (1). Last evaluated 2025-06-30.

Conditions:
Seizure. Also called: Seizures. Identifiers: MedGen C0036572, HP:0001250.
Global developmental delay (DD). Also called: Cognitive delay. Identifiers: MedGen C0557874, HP:0001263. Disease mechanism: loss of function.
Developmental and epileptic encephalopathy 104 (DEE104). Identifiers: MedGen C5774183, MONDO:0031021, OMIM 619970.

Submissions (2):

Institute of Human Genetics, University of Leipzig Medical Center
Classification: Likely pathogenic for Developmental and epileptic encephalopathy 104. Last evaluated: 2025-06-30. Review status: criteria provided, single submitter. Criteria: ACMG Guidelines, 2015. Collection method: clinical testing. Allele origin: de novo. Inheritance: Autosomal dominant inheritance. Affected: yes.
Comment: Criteria applied: PS2_MOD,PM2,PP2,PP3

Institute of Human Genetics, University of Leipzig Medical Center
Classification: Uncertain significance for Global developmental delay; Seizure. Last evaluated: 2019-10-30. Review status: criteria provided, single submitter. Criteria: ACMG Guidelines, 2015. Collection method: clinical testing. Allele origin: de novo. Affected: yes.